The following is an entry in ClinVar:

ClinVar aggregate classification (germline): Benign/Likely benign. Review status: criteria provided, multiple submitters, no conflicts (2 of 4 stars). 2 submissions from 2 submitters: Benign (1); Likely benign (1). Last evaluated 2023-10-19.

Conditions:
Familial thoracic aortic aneurysm and aortic dissection (TAAD). Also called: Thoracic aortic aneurysms and dissections. Identifiers: Orphanet 91387, MedGen C4707243, MONDO:0019625.

Submissions (2):

Women's Health and Genetics/Laboratory Corporation of America, LabCorp
Classification: Benign. Last evaluated: 2023-10-19. Review status: criteria provided, single submitter. Criteria: LabCorp Variant Classification Summary - May 2015. Collection method: clinical testing. Allele origin: germline.
Comment: Variant summary: MYLK c.1005_1007delinsTCT (p.Pro336Leu) results in a non-conservative amino acid change in the encoded protein sequence. Three of five in-silico tools predict a benign effect of the variant on protein function. This represents a multinucleotide variant combination of NM_053025.4(MYLK):c.1007C>T (p.Pro336Leu), 3-123452837-G (reference allele) and NM_053025.4(MYLK):c.1005C>T (p.Thr335=) that was found at a frequency of 0.0015 in 280200 control chromosomes in the gnomAD database, including 1 homozygote. The observed variant frequency is approximately 614 fold of the estimated maximal expected allele frequency for a pathogenic variant in MYLK causing Aortopathy phenotype (2.5e-06), strongly suggesting that the variant is benign. To our knowledge, no occurrence of c.1005_1007delinsTCT in individuals affected with Aortopathy and no experimental evidence demonstrating its impact on protein function have been reported. One submitter has cited clinical-significance assessments for this variant to ClinVar after 2014 and has classified the variant as likely benign. Based on the evidence outlined above, the variant was classified as benign.

Ambry Genetics
Classification: Likely benign for Familial thoracic aortic aneurysm and aortic dissection. Last evaluated: 2022-11-01. Review status: criteria provided, single submitter. Criteria: Ambry Variant Classification Scheme 2023. Collection method: clinical testing. Allele origin: germline.

Literature cited by the submitters: PubMed 34422331 (cited by Ambry Genetics).

NM_053025.4(MYLK):c.1005_1007delinsTCT (p.Pro336Leu)

Gene: MYLK (myosin light chain kinase; minus strand). Cytogenetic location: 3q21.1.
Variant type: Indel.
Coding change: c.1005_1007delinsTCT on transcript NM_053025.4 (MANE Select); coding-DNA positions 1005 to 1007, CCC replaced by TCT.
Protein change: p.Pro336Leu; replaces proline 336 with leucine.
Molecular consequence: missense variant.
Genome position (GRCh38, 1-based): chr3:123,733,989-123,733,991, GGG replaced by AGA on the plus strand (CCC replaced by TCT on the coding strand, the reverse complement: MYLK is on the minus strand). VCF-style: chr3-123733989-GGG-AGA. GRCh37 (hg19) VCF-style: chr3-123452836-GGG-AGA.
Other names: c.477_479delinsTCT, p.Pro160Leu (NM_001321309.2); c.1005_1007delinsTCT, p.Pro336Leu (NM_053026.4, NM_053027.4, NM_053028.4); short protein forms P336L, P160L.
Identifiers: ClinVar variation 2447218 (VCV002447218.3), dbSNP rs2474565396, ClinGen allele CA2580068662.